The following is an entry in ClinVar:

ClinVar aggregate classification (germline): Uncertain significance (1 of 4 stars; one submission).

Conditions:
Bethlem myopathy 1A. Also called: MYOPATHY, BENIGN CONGENITAL, WITH CONTRACTURES; Bethlem myopathy 1; Bethlem Muscular Dystrophy. Identifiers: Orphanet 610, MedGen CN029274, MONDO:0024530, OMIM 158810.

gnomAD v4.1: 3 of 1,601,156 alleles (0.00019%); highest among the groups gnomAD compares: Non-Finnish European, 0.00025%; no homozygotes.

Submission:

Labcorp Genetics (formerly Invitae), Labcorp
Classification: Uncertain significance for Bethlem myopathy 1A. Last evaluated: 2024-05-14. Review status: criteria provided, single submitter. Criteria: Invitae Variant Classification Sherloc (09022015). Collection method: clinical testing. Allele origin: germline.
Comment: This sequence change replaces isoleucine, which is neutral and non-polar, with methionine, which is neutral and non-polar, at codon 439 of the COL6A3 protein (p.Ile439Met). This variant is not present in population databases (gnomAD no frequency). This variant has not been reported in the literature in individuals affected with COL6A3-related conditions. Advanced modeling of protein sequence and biophysical properties (such as structural, functional, and spatial information, amino acid conservation, physicochemical variation, residue mobility, and thermodynamic stability) performed at Invitae indicates that this missense variant is not expected to disrupt COL6A3 protein function with a negative predictive value of 95%. In summary, the available evidence is currently insufficient to determine the role of this variant in disease. Therefore, it has been classified as a Variant of Uncertain Significance.

NM_004369.4(COL6A3):c.1317T>G (p.Ile439Met)

Gene: COL6A3 (collagen type VI alpha 3 chain; minus strand). Cytogenetic location: 2q37.3.
Variant type: single nucleotide variant.
Coding change: c.1317T>G on transcript NM_004369.4 (MANE Select); coding-DNA position 1317, T replaced by G.
Protein change: p.Ile439Met; replaces isoleucine 439 with methionine.
Molecular consequence: missense variant.
Genome position (GRCh38, 1-based): chr2:237,381,495, A>C on the plus strand (T>G on the coding strand, the complement: COL6A3 is on the minus strand). VCF-style: chr2-237381495-A-C. GRCh37 (hg19) VCF-style: chr2-238290138-A-C.
Other names: c.96T>G, p.Ile32Met (NM_057164.5, NM_057166.5); c.699T>G, p.Ile233Met (NM_057165.5, NM_057167.4); short protein forms I32M, I233M, I439M.
Identifiers: ClinVar variation 3697316 (VCV003697316.2).